The following is an entry in ClinVar:

NM_022455.5(NSD1):c.1611dup (p.Ile538fs)

Gene: NSD1 (nuclear receptor binding SET domain protein 1; plus strand). Cytogenetic location: 5q35.3.
Variant type: Duplication.
Coding change: c.1611dup on transcript NM_022455.5 (MANE Select); coding-DNA position 1611, one base duplicated (T; older notation c.1611dupT).
Protein change: p.Ile538fs; shifts the reading frame from isoleucine 538.
Molecular consequence: frameshift variant.
Genome position (GRCh38, 1-based): chr5:177,210,010, T duplicated; the last of 3 consecutive T bases (chr5:177,210,008-177,210,010); duplicating any one gives the same sequence. VCF-style (leftmost placement, unchanged base first): chr5-177210007-C-CT. GRCh37 (hg19) VCF-style: chr5-176637008-C-CT.
Other names: c.1191dup, p.Ile398fs (NM_001409304.1); c.858dup, p.Ile287fs (NM_001409305.1); c.738dup, p.Ile247fs (NM_001409306.1, NM_001409307.1, NM_001409308.1 and 3 more transcripts); c.1611dup, p.Ile538fs (NM_001409301.1, NM_001409302.1, NM_001409303.1); c.1611dupT (NM_022455.4); short protein forms I247fs, I398fs, I287fs, I538fs.
Identifiers: ClinVar variation 3301123 (VCV003301123.2).

ClinVar aggregate classification (germline): Pathogenic. Review status: criteria provided, multiple submitters, no conflicts (2 of 4 stars). 2 submissions from 2 submitters: Pathogenic (2). Last evaluated 2025-07-04.

Conditions:
Inborn genetic diseases. Identifiers: MedGen C0950123, MeSH D030342.
Sotos syndrome (SOTOS). Also called: SOTOS SYNDROME 1; CHROMOSOME 5q35 DELETION SYNDROME; CEREBRAL GIGANTISM; Sotos' syndrome; Distinctive facial appearance, overgrowth in childhood, and learning disabilities or delayed development. Identifiers: Orphanet 821, MedGen C0175695, MONDO:0019349, OMIM 117550.

Submissions (2):

MVZ Martinsried, Medicover Genetics
Classification: Pathogenic for Sotos syndrome. Last evaluated: 2025-07-04. Review status: criteria provided, single submitter. Criteria: ACGS Guidelines, 2020. Collection method: clinical testing. Allele origin: de novo. Affected: yes. Observed: 1 heterozygote.

Ambry Genetics
Classification: Pathogenic for Inborn genetic diseases. Last evaluated: 2024-05-28. Review status: criteria provided, single submitter. Criteria: Ambry Variant Classification Scheme 2023. Collection method: clinical testing. Allele origin: germline.
Comment: The c.1611dupT (p.I538Yfs*7) alteration, located in exon 5 (coding exon 4) of the NSD1 gene, consists of a duplication of T at position 1611, causing a translational frameshift with a predicted alternate stop codon after 7 amino acids. This alteration is expected to result in loss of function by premature protein truncation or nonsense-mediated mRNA decay. This variant was not reported in population-based cohorts in the Genome Aggregation Database (gnomAD). Based on the available evidence, this alteration is classified as pathogenic.